The following is an entry in ClinVar:

NM_004183.4(BEST1):c.1033C>G (p.Pro345Ala)

Gene: BEST1 (bestrophin 1; plus strand). Cytogenetic location: 11q12.3.
Variant type: single nucleotide variant.
Coding change: c.1033C>G on transcript NM_004183.4 (MANE Select); coding-DNA position 1033, C replaced by G.
Protein change: p.Pro345Ala; replaces proline 345 with alanine.
Molecular consequence: missense variant. On other transcripts: non-coding transcript variant (1).
Genome position (GRCh38, 1-based): chr11:61,959,976, C>G. VCF-style: chr11-61959976-C-G. GRCh37 (hg19) VCF-style: chr11-61727448-C-G.
Other names: c.853C>G, p.Pro285Ala (NM_001139443.3, NM_001300787.2); c.772C>G, p.Pro258Ala (NM_001300786.2); c.715C>G, p.Pro239Ala (NM_001363591.3); c.1236C>G, p.Ser412Arg (NM_001363592.2); c.61C>G, p.Pro21Ala (NM_001363593.3); short protein forms P239A, P21A, P258A, S412R, P285A, P345A.
Identifiers: ClinVar variation 2087266 (VCV002087266.4), dbSNP rs1045042331, ClinGen allele CA380846253.
Genomic context (GRCh38, chr11:61,959,976, plus strand): 5'-ATGCACCAGGACCTGCCTCGGATGGAGCCGGACATGTACTGGAATAAGCCCGAGCCACAG[C>G]CCCCCTACACAGCTGCTTCCGCCCAGTTCCGTCGAGCCTCCTTTATGGGCTCCACCTTCA-3'
Protein context (NP_004174.1, residues 335-355): DMYWNKPEPQ[Pro345Ala]PYTAASAQFR

ClinVar aggregate classification (germline): Uncertain significance (1 of 4 stars; one submission).

Submission:

Labcorp Genetics (formerly Invitae), Labcorp
Classification: Uncertain significance. Last evaluated: 2022-09-07. Review status: criteria provided, single submitter. Criteria: Invitae Variant Classification Sherloc (09022015). Collection method: clinical testing. Allele origin: germline.
Comment: Advanced modeling of protein sequence and biophysical properties (such as structural, functional, and spatial information, amino acid conservation, physicochemical variation, residue mobility, and thermodynamic stability) performed at Invitae indicates that this missense variant is expected to disrupt BEST1 protein function. This variant has not been reported in the literature in individuals affected with BEST1-related conditions. This variant is not present in population databases (gnomAD no frequency). This sequence change replaces proline, which is neutral and non-polar, with alanine, which is neutral and non-polar, at codon 345 of the BEST1 protein (p.Pro345Ala). In summary, the available evidence is currently insufficient to determine the role of this variant in disease. Therefore, it has been classified as a Variant of Uncertain Significance.